The following is an entry in ClinVar:

ClinVar aggregate classification (germline): Uncertain significance (1 of 4 stars; one submission).

Submission:

Labcorp Genetics (formerly Invitae), Labcorp
Classification: Uncertain significance. Last evaluated: 2022-09-15. Review status: criteria provided, single submitter. Criteria: Invitae Variant Classification Sherloc (09022015). Collection method: clinical testing. Allele origin: germline.
Comment: This sequence change replaces glycine, which is neutral and non-polar, with alanine, which is neutral and non-polar, at codon 4012 of the KMT2C protein (p.Gly4012Ala). This variant is not present in population databases (gnomAD no frequency). This variant has not been reported in the literature in individuals affected with KMT2C-related conditions. Algorithms developed to predict the effect of missense changes on protein structure and function are either unavailable or do not agree on the potential impact of this missense change (SIFT: "Deleterious"; PolyPhen-2: "Probably Damaging"; Align-GVGD: "Class C0"). In summary, the available evidence is currently insufficient to determine the role of this variant in disease. Therefore, it has been classified as a Variant of Uncertain Significance.

NM_170606.3(KMT2C):c.12035G>C (p.Gly4012Ala)

Gene: KMT2C (lysine methyltransferase 2C; minus strand). Cytogenetic location: 7q36.1.
Variant type: single nucleotide variant.
Coding change: c.12035G>C on transcript NM_170606.3 (MANE Select); coding-DNA position 12035, G replaced by C.
Protein change: p.Gly4012Ala; replaces glycine 4012 with alanine.
Molecular consequence: missense variant.
Genome position (GRCh38, 1-based): chr7:152,154,371, C>G on the plus strand (G>C on the coding strand, the complement: KMT2C is on the minus strand). VCF-style: chr7-152154371-C-G. GRCh37 (hg19) VCF-style: chr7-151851456-C-G.
Other names: short protein forms G4012A.
Identifiers: ClinVar variation 1719556 (VCV001719556.5), dbSNP rs2091889601, ClinGen allele CA370096703.